The following is an entry in ClinVar:

NM_022114.4(PRDM16):c.1796C>T (p.Ser599Leu)

Gene: PRDM16 (PR/SET domain 16; plus strand). Cytogenetic location: 1p36.32.
Variant type: single nucleotide variant.
Coding change: c.1796C>T on transcript NM_022114.4 (MANE Select); coding-DNA position 1796, C replaced by T.
Protein change: p.Ser599Leu; replaces serine 599 with leucine.
Molecular consequence: missense variant.
Genome position (GRCh38, 1-based): chr1:3,411,993, C>T. VCF-style: chr1-3411993-C-T. GRCh37 (hg19) VCF-style: chr1-3328557-C-T.
Other names: p.Ser599Leu; c.1796C>T, p.Ser599Leu (NM_199454.3); short protein forms S599L.
Identifiers: ClinVar variation 946886 (VCV000946886.12), dbSNP rs367734333, ClinGen allele CA544290.

ClinVar aggregate classification (germline): Uncertain significance. Review status: criteria provided, multiple submitters, no conflicts (2 of 4 stars). 4 submissions from 4 submitters: Uncertain significance (4). Last evaluated 2024-05-06.

Conditions:
Left ventricular noncompaction 8 (LVNC8). Identifiers: Orphanet 154, Orphanet 54260, MedGen C3809288, MONDO:0014152, OMIM 615373.

Allele frequency attached by ClinVar (database versions not stated): gnomAD exomes 0.00003 and 0.00006; gnomAD 0.00005 and 0.00006; TOPMed 0.00006; ExAC 0.00007; ESP Exome Variant Server 0.00008.
gnomAD v4.1: 52 of 1,613,636 alleles (0.0032%); highest among the groups gnomAD compares: Admixed American, 0.012%; no homozygotes.

Submissions (4):

GeneDx
Classification: Uncertain significance. Last evaluated: 2024-05-06. Review status: criteria provided, single submitter. Criteria: GeneDx Variant Classification Process June 2021. Collection method: clinical testing. Allele origin: germline. Affected: yes.
Comment: In silico analysis supports that this missense variant has a deleterious effect on protein structure/function; Has not been previously published as pathogenic or benign to our knowledge

Labcorp Genetics (formerly Invitae), Labcorp
Classification: Uncertain significance for Left ventricular noncompaction 8. Last evaluated: 2024-02-24. Review status: criteria provided, single submitter. Criteria: Invitae Variant Classification Sherloc (09022015). Collection method: clinical testing. Allele origin: germline.
Comment: This sequence change replaces serine, which is neutral and polar, with leucine, which is neutral and non-polar, at codon 599 of the PRDM16 protein (p.Ser599Leu). This variant is present in population databases (rs367734333, gnomAD 0.01%). This variant has not been reported in the literature in individuals affected with PRDM16-related conditions. ClinVar contains an entry for this variant (Variation ID: 946886). An algorithm developed to predict the effect of missense changes on protein structure and function (PolyPhen-2) suggests that this variant is likely to be disruptive. In summary, the available evidence is currently insufficient to determine the role of this variant in disease. Therefore, it has been classified as a Variant of Uncertain Significance.

Mayo Clinic Laboratories, Mayo Clinic
Classification: Uncertain significance. Last evaluated: 2023-11-17. Review status: criteria provided, single submitter. Criteria: ACMG Guidelines, 2015. Collection method: clinical testing. Allele origin: germline. Observed: 1 variant allele.

ARUP Laboratories, Molecular Genetics and Genomics, ARUP Laboratories
Classification: Uncertain significance. Last evaluated: 2022-03-08. Review status: criteria provided, single submitter. Criteria: ARUP Molecular Germline Variant Investigation Process 2021. Collection method: clinical testing. Allele origin: germline.
Comment: The PRDM16 c.1796C>T; p.Ser599Leu variant (rs367734333), to our knowledge, is not reported in the medical literature but is reported in ClinVar (Variation ID: 946886). This variant is found in the general population with an overall allele frequency of 0.0057% (16/280464 alleles) in the Genome Aggregation Database. The serine at codon 599 is moderately conserved, and computational analyses are uncertain whether this variant is neutral or deleterious (REVEL: 0.340). Due to limited information, the clinical significance of this variant is uncertain at this time.